The following is an entry in ClinVar:

NM_003738.5(PTCH2):c.1523A>G (p.Asn508Ser)

Gene: PTCH2 (patched 2; minus strand). Cytogenetic location: 1p34.1.
Variant type: single nucleotide variant.
Coding change: c.1523A>G on transcript NM_003738.5 (MANE Select); coding-DNA position 1523, A replaced by G.
Protein change: p.Asn508Ser; replaces asparagine 508 with serine.
Molecular consequence: missense variant.
Genome position (GRCh38, 1-based): chr1:44,828,573, T>C on the plus strand (A>G on the coding strand, the complement: PTCH2 is on the minus strand). VCF-style: chr1-44828573-T-C. GRCh37 (hg19) VCF-style: chr1-45294245-T-C.
Other names: c.1523A>G, p.Asn508Ser (NM_001166292.2); short protein forms N508S.
Identifiers: ClinVar variation 1721524 (VCV001721524.6), dbSNP rs2521972001, ClinGen allele CA340100839.

ClinVar aggregate classification (germline): Uncertain significance (1 of 4 stars; one submission).

Conditions:
Gorlin syndrome. Also called: Basal cell nevus syndrome; Nevoid Basal Cell Carcinoma Syndrome. Identifiers: Orphanet 377, MedGen C0004779, MONDO:0007187.

Submission:

Labcorp Genetics (formerly Invitae), Labcorp
Classification: Uncertain significance for Gorlin syndrome. Last evaluated: 2022-10-13. Review status: criteria provided, single submitter. Criteria: Invitae Variant Classification Sherloc (09022015). Collection method: clinical testing. Allele origin: germline.
Comment: In summary, the available evidence is currently insufficient to determine the role of this variant in disease. Therefore, it has been classified as a Variant of Uncertain Significance. Algorithms developed to predict the effect of missense changes on protein structure and function output the following: SIFT: "Tolerated"; PolyPhen-2: "Benign"; Align-GVGD: "Class C0". The serine amino acid residue is found in multiple mammalian species, which suggests that this missense change does not adversely affect protein function. This variant has not been reported in the literature in individuals affected with PTCH2-related conditions. This variant is not present in population databases (gnomAD no frequency). This sequence change replaces asparagine, which is neutral and polar, with serine, which is neutral and polar, at codon 508 of the PTCH2 protein (p.Asn508Ser).